The following is an entry in ClinVar:

ClinVar aggregate classification (germline): Uncertain significance (1 of 4 stars; one submission).

gnomAD v4.1: 1 of 1,608,730 alleles (0.000062%); highest among the groups gnomAD compares: Non-Finnish European, 0.000085%; no homozygotes.

Submission:

Ambry Genetics
Classification: Uncertain significance. Last evaluated: 2023-08-30. Review status: criteria provided, single submitter. Criteria: Ambry Variant Classification Scheme 2023. Collection method: clinical testing. Allele origin: germline.
Comment: The p.D1029E variant (also known as c.3087C>G), located in coding exon 17 of the NPAT gene, results from a C to G substitution at nucleotide position 3087. The aspartic acid at codon 1029 is replaced by glutamic acid, an amino acid with highly similar properties. This amino acid position is conserved. In addition, this alteration is predicted to be tolerated by in silico analysis. Since supporting evidence is limited at this time, the clinical significance of this alteration remains unclear.

NM_002519.3(NPAT):c.3087C>G (p.Asp1029Glu)

Gene: NPAT (nuclear protein, coactivator of histone transcription; minus strand). Cytogenetic location: 11q22.3.
Variant type: single nucleotide variant.
Coding change: c.3087C>G on transcript NM_002519.3 (MANE Select); coding-DNA position 3087, C replaced by G.
Protein change: p.Asp1029Glu; replaces aspartic acid 1029 with glutamic acid.
Molecular consequence: missense variant.
Genome position (GRCh38, 1-based): chr11:108,161,999, G>C on the plus strand (C>G on the coding strand, the complement: NPAT is on the minus strand). VCF-style: chr11-108161999-G-C. GRCh37 (hg19) VCF-style: chr11-108032726-G-C.
Other names: c.3108C>G, p.Asp1036Glu (NM_001321307.1); short protein forms D1029E, D1036E.
Identifiers: ClinVar variation 2615045 (VCV002615045.2), dbSNP rs2496697423, ClinGen allele CA382511554.
Genomic context (GRCh38, chr11:108,161,999, plus strand): 5'-TTCTGGGAAGGGAACTGTGGTTTCTTCTGATTTTTTCCCAAGATCTGTGGCAATACTTTT[G>C]TCAGAAACTTCAGTTCTAAAACAAAACAAAACAAAACTATTTCTAGCAGCATAAAGAAAT-3'
Protein context (NP_002510.2, residues 1019-1039): GCHAQKTEVS[Asp1029Glu]KSIATDLGKK